The following is an entry in ClinVar:

NM_000492.4(CFTR):c.1432_1433insG (p.Ser478fs)

Genes: CFTR (CF transmembrane conductance regulator; plus strand), CFTR-AS1 (CFTR antisense RNA 1; minus strand). Cytogenetic location: 7q31.2.
Variant type: Insertion.
Coding change: c.1432_1433insG on transcript NM_000492.4 (MANE Select); coding-DNA positions 1432 to 1433, G inserted.
Protein change: p.Ser478fs; shifts the reading frame from serine 478.
Molecular consequence: frameshift variant.
Genome position: GRCh38 VCF-style: chr7-117559503-T-TG. GRCh37 (hg19) VCF-style: chr7-117199557-T-TG.
Other names: short protein forms S478fs.
Identifiers: ClinVar variation 4729796 (VCV004729796.1).

ClinVar aggregate classification (germline): Pathogenic (1 of 4 stars; one submission).

Conditions:
Cystic fibrosis (CF). Also called: MUCOVISCIDOSIS. Identifiers: Orphanet 586, MedGen C0010674, MONDO:0009061, OMIM 219700. Disease mechanism: loss of function.

Submission:

Labcorp Genetics (formerly Invitae), Labcorp
Classification: Pathogenic for Cystic fibrosis. Last evaluated: 2025-10-28. Review status: criteria provided, single submitter. Criteria: Invitae Variant Classification Sherloc (09022015). Collection method: clinical testing. Allele origin: germline.
Comment: This sequence change creates a premature translational stop signal (p.Ser478Cysfs*4) in the CFTR gene. It is expected to result in an absent or disrupted protein product. Loss-of-function variants in CFTR are known to be pathogenic (PMID: 1695717, 7691345, 9725922). This variant is not present in population databases (gnomAD no frequency). This variant has not been reported in the literature in individuals affected with CFTR-related conditions. For these reasons, this variant has been classified as Pathogenic.

Literature cited by the submitters: PubMed 1695717; PubMed 7691345; PubMed 9725922.